The following is an entry in ClinVar:

ClinVar aggregate classification (germline): Likely benign. Review status: criteria provided, single submitter (1 of 4 stars). 2 submissions from 2 submitters: Likely benign (1). 1 of the submissions does not count toward it. Last evaluated 2024-05-29.

Conditions:
PLXNA1-related disorder. Also called: PLXNA1-related condition.

Allele frequency attached by ClinVar (database versions not stated): gnomAD exomes 0.00002; gnomAD 0.00003; TOPMed 0.00003.
gnomAD v4.1: 30 of 1,613,292 alleles (0.0019%); highest among the groups gnomAD compares: Middle Eastern, 0.016%; no homozygotes.

Submissions (2):

Labcorp Genetics (formerly Invitae), Labcorp
Classification: Likely benign. Last evaluated: 2024-05-29. Review status: criteria provided, single submitter. Criteria: Invitae Variant Classification Sherloc (09022015). Collection method: clinical testing. Allele origin: germline.

PreventionGenetics, part of Exact Sciences
Classification: Likely benign for PLXNA1-related condition. Last evaluated: 2024-04-17. Review status: no assertion criteria provided. Collection method: clinical testing. Allele origin: germline. Not counted in ClinVar's aggregate classification.
Comment: This variant is classified as likely benign based on ACMG/AMP sequence variant interpretation guidelines (Richards et al. 2015 PMID: 25741868, with internal and published modifications).

NM_032242.4(PLXNA1):c.258G>A (p.Thr86=)

Gene: PLXNA1 (plexin A1; plus strand). Cytogenetic location: 3q21.3.
Variant type: single nucleotide variant.
Coding change: c.258G>A on transcript NM_032242.4 (MANE Select); coding-DNA position 258, G replaced by A.
Protein change: p.Thr86=; no amino-acid change (threonine 86 retained).
Molecular consequence: synonymous variant.
Genome position (GRCh38, 1-based): chr3:126,988,851, G>A. VCF-style: chr3-126988851-G-A. GRCh37 (hg19) VCF-style: chr3-126707694-G-A.
Other names: c.258G>A (NM_032242.3).
Identifiers: ClinVar variation 1924688 (VCV001924688.7), dbSNP rs936637159, ClinGen allele CA83278253.